The following is an entry in ClinVar:

ClinVar aggregate classification (germline): Uncertain significance (1 of 4 stars; one submission).

Conditions:
FG syndrome (FGS). Identifiers: MedGen C0220769, MONDO:0002010.

gnomAD v4.1: 1 of 1,205,666 alleles (0.000083%); highest among the groups gnomAD compares: South Asian, 0.0018%; no homozygotes.

Submission:

Labcorp Genetics (formerly Invitae), Labcorp
Classification: Uncertain significance for FG syndrome. Last evaluated: 2025-03-01. Review status: criteria provided, single submitter. Criteria: Invitae Variant Classification Sherloc (09022015). Collection method: clinical testing. Allele origin: germline.
Comment: This sequence change falls in intron 41 of the MED12 gene. It does not directly change the encoded amino acid sequence of the MED12 protein. It affects a nucleotide within the consensus splice site. This variant is not present in population databases (gnomAD no frequency). This variant has not been reported in the literature in individuals affected with MED12-related conditions. Variants that disrupt the consensus splice site are a relatively common cause of aberrant splicing (PMID: 17576681, 9536098). Algorithms developed to predict the effect of sequence changes on RNA splicing suggest that this variant is not likely to affect RNA splicing. In summary, the available evidence is currently insufficient to determine the role of this variant in disease. Therefore, it has been classified as a Variant of Uncertain Significance.

Literature cited by the submitters: PubMed 17576681; PubMed 9536098.

NM_005120.3(MED12):c.6044+6C>T

Gene: MED12 (mediator complex subunit 12; plus strand). Cytogenetic location: Xq13.1.
Variant type: single nucleotide variant.
Coding change: c.6044+6C>T on transcript NM_005120.3 (MANE Select); 6 bases into the intron after coding-DNA position 6044, C replaced by T.
Molecular consequence: intron variant.
Genome position (GRCh38, 1-based): chrX:71,137,949, C>T. VCF-style: chrX-71137949-C-T. GRCh37 (hg19) VCF-style: chrX-70357799-C-T.
Identifiers: ClinVar variation 4775868 (VCV004775868.1).